The following is an entry in ClinVar:

NM_001374828.1(ARID1B):c.7046C>T (p.Ser2349Leu)

Gene: ARID1B (AT-rich interaction domain 1B; plus strand). Cytogenetic location: 6q25.3.
Variant type: single nucleotide variant.
Coding change: c.7046C>T on transcript NM_001374828.1 (MANE Select); coding-DNA position 7046, C replaced by T.
Protein change: p.Ser2349Leu; replaces serine 2349 with leucine.
Molecular consequence: missense variant.
Genome position (GRCh38, 1-based): chr6:157,207,818, C>T. VCF-style: chr6-157207818-C-T. GRCh37 (hg19) VCF-style: chr6-157528952-C-T.
Other names: c.6797C>T, p.Ser2266Leu (NM_001346813.1); c.4547C>T, p.Ser1516Leu (NM_001363725.2); c.6926C>T, p.Ser2309Leu (NM_001371656.1, NM_001374820.1); c.6887C>T, p.Ser2296Leu (NM_017519.3); c.6677C>T, p.Ser2226Leu (NM_020732.3); c.6464C>T, p.Ser2155Leu (NM_175863.2); short protein forms S1516L, S2155L, S2226L, S2266L, S2296L, S2309L, S2349L.
Identifiers: ClinVar variation 1709353 (VCV001709353.6), dbSNP rs1263114512, ClinGen allele CA366249637.

ClinVar aggregate classification (germline): Uncertain significance. Review status: criteria provided, multiple submitters, no conflicts (2 of 4 stars). 3 submissions from 3 submitters: Uncertain significance (3). Last evaluated 2024-12-05.

Conditions:
Inborn genetic diseases. Identifiers: MedGen C0950123, MeSH D030342.
Coffin-Siris syndrome 1 (CSS1). Also called: Mental retardation, autosomal dominant 12; ARID1B-Related Coffin-Siris Syndrome. Identifiers: Orphanet 1465, MedGen C3281201, MONDO:0007617, OMIM 135900. Disease mechanism: gain of function.

Submissions (3):

Labcorp Genetics (formerly Invitae), Labcorp
Classification: Uncertain significance. Last evaluated: 2024-12-05. Review status: criteria provided, single submitter. Criteria: Invitae Variant Classification Sherloc (09022015). Collection method: clinical testing. Allele origin: germline.
Comment: This sequence change replaces serine, which is neutral and polar, with leucine, which is neutral and non-polar, at codon 2226 of the ARID1B protein (p.Ser2226Leu). This variant is not present in population databases (gnomAD no frequency). This variant has not been reported in the literature in individuals affected with ARID1B-related conditions. ClinVar contains an entry for this variant (Variation ID: 1709353). Invitae Evidence Modeling of protein sequence and biophysical properties (such as structural, functional, and spatial information, amino acid conservation, physicochemical variation, residue mobility, and thermodynamic stability) indicates that this missense variant is not expected to disrupt ARID1B protein function with a negative predictive value of 95%. In summary, the available evidence is currently insufficient to determine the role of this variant in disease. Therefore, it has been classified as a Variant of Uncertain Significance.

Ambry Genetics
Classification: Uncertain significance for Inborn genetic diseases. Last evaluated: 2024-05-09. Review status: criteria provided, single submitter. Criteria: Ambry Variant Classification Scheme 2023. Collection method: clinical testing. Allele origin: germline.

MGZ Medical Genetics Center
Classification: Uncertain significance for Coffin-Siris syndrome 1. Last evaluated: 2022-05-04. Review status: criteria provided, single submitter. Criteria: ACMG Guidelines, 2015. Collection method: clinical testing. Allele origin: germline. Affected: yes. Observed: 1 variant allele.
Comment: ACMG criteria applied: PM2_SUP, BP4